The following is an entry in ClinVar:

ClinVar aggregate classification (germline): Uncertain significance. Review status: criteria provided, multiple submitters, no conflicts (2 of 4 stars). 2 submissions from 2 submitters: Uncertain significance (2). Last evaluated 2024-04-01.

Conditions:
Inborn genetic diseases. Identifiers: MedGen C0950123, MeSH D030342.

Allele frequency attached by ClinVar (database versions not stated): gnomAD 0.00003; TOPMed 0.00004; gnomAD exomes 0.00007 and 0.00016; ExAC 0.00015.
gnomAD v4.1: 45 of 1,611,604 alleles (0.0028%); highest among the groups gnomAD compares: Admixed American, 0.076%; no homozygotes.

Submissions (2):

Ambry Genetics
Classification: Uncertain significance for Inborn genetic diseases. Last evaluated: 2024-04-01. Review status: criteria provided, single submitter. Criteria: Ambry Variant Classification Scheme 2023. Collection method: clinical testing. Allele origin: germline.

Labcorp Genetics (formerly Invitae), Labcorp
Classification: Uncertain significance. Last evaluated: 2022-11-22. Review status: criteria provided, single submitter. Criteria: Invitae Variant Classification Sherloc (09022015). Collection method: clinical testing. Allele origin: germline.
Comment: In summary, the available evidence is currently insufficient to determine the role of this variant in disease. Therefore, it has been classified as a Variant of Uncertain Significance. Advanced modeling of protein sequence and biophysical properties (such as structural, functional, and spatial information, amino acid conservation, physicochemical variation, residue mobility, and thermodynamic stability) performed at Invitae indicates that this missense variant is not expected to disrupt DYX1C1 protein function. ClinVar contains an entry for this variant (Variation ID: 575687). This variant has not been reported in the literature in individuals affected with DYX1C1-related conditions. This variant is present in population databases (rs763879829, gnomAD 0.1%). This sequence change replaces glutamic acid, which is acidic and polar, with lysine, which is basic and polar, at codon 222 of the DYX1C1 protein (p.Glu222Lys).

NM_130810.4(DNAAF4):c.664G>A (p.Glu222Lys)

Genes: DNAAF4 (dynein axonemal assembly factor 4; minus strand), DNAAF4-CCPG1 (DNAAF4-CCPG1 readthrough (NMD candidate); minus strand). Cytogenetic location: 15q21.3.
Variant type: single nucleotide variant.
Coding change: c.664G>A on transcript NM_130810.4 (MANE Select); coding-DNA position 664, G replaced by A.
Protein change: p.Glu222Lys; replaces glutamic acid 222 with lysine.
Molecular consequence: missense variant. On other transcripts: non-coding transcript variant (1).
Genome position (GRCh38, 1-based): chr15:55,450,341, C>T on the plus strand (G>A on the coding strand, the complement: DNAAF4 is on the minus strand). VCF-style: chr15-55450341-C-T. GRCh37 (hg19) VCF-style: chr15-55742539-C-T.
Other names: c.664G>A, p.Glu222Lys (NM_001033559.3, NM_001033560.2); short protein forms E222K.
Identifiers: ClinVar variation 575687 (VCV000575687.8), dbSNP rs763879829, ClinGen allele CA7574985.